The following is an entry in ClinVar:

ClinVar aggregate classification (germline): Benign. Review status: reviewed by expert panel (3 of 4 stars). 2 submissions from 2 submitters: Benign (1). 1 of the submissions does not count toward it. Last evaluated 2025-09-05.

Conditions:
RPGR-related retinopathy. Also called: RPGR retinopathy. Identifiers: MedGen CN305589, MONDO:0100437.

Submissions (2):

ClinGen X-linked Inherited Retinal Disease Variant Curation Expert Panel, ClinGen
Classification: Benign for RPGR-related retinopathy. Last evaluated: 2025-09-05. Review status: reviewed by expert panel. Criteria: ClinGen X LinkedIRD ACMG Specifications RPGR V1.0.0. Collection method: curation. Allele origin: germline. Inheritance: X-linked inheritance.
Comment: NM_001034853.2(RPGR):c.28+280dup is a 1-base pair insertion within intron 1 that is located outside of the splice donor region (BP7). The splicing impact predictor SpliceAI gives a delta score of 0.02, which is below the ClinGen X-linked IRD VCEP recommended threshold of <0.1 and does not strongly predict an impact on splicing (BP4). This variant is present in gnomAD v4.1.0 at a frequency of 0.004925 among hemizygous individuals, with 301 variant alleles / 61122 total hemizygous alleles, which is higher than the ClinGen X-linked IRD VCEP BA1 threshold of >0.00005 (BA1). In summary, this variant is classified as benign for RPGR-related retinopathy based on the ClinGen X-linked Inherited Retinal Disease Expert Panel Specifications to the ACMG/AMP Variant Interpretation Guidelines for RPGR Version 1.0.0; BA1, BP4, and BP7.

GeneDx
Classification: Benign. Last evaluated: 2019-10-05. Review status: criteria provided, single submitter. Criteria: GeneDx Variant Classification Process June 2021. Collection method: clinical testing. Allele origin: germline. Affected: yes. Not counted in ClinVar's aggregate classification.

NM_001034853.2(RPGR):c.28+266dup

Gene: RPGR (retinitis pigmentosa GTPase regulator; minus strand). Cytogenetic location: Xp11.4.
Variant type: Duplication.
Coding change: c.28+266dup on transcript NM_001034853.2 (MANE Select); 266 bases into the intron after coding-DNA position 28, one base duplicated (T; older notation c.28+266dupT).
Molecular consequence: intron variant.
Genome position (GRCh38, 1-based): chrX:38,327,060, A duplicated on the plus strand (T on the coding strand, the reverse complement: RPGR is on the minus strand); the first of 15 consecutive A bases (chrX:38,327,060-38,327,074); duplicating any one gives the same sequence. VCF-style (leftmost placement, unchanged base first): chrX-38327059-T-TA. GRCh37 (hg19) VCF-style: chrX-38186312-T-TA.
Other names: c.28+266dup (NM_001367249.1, NM_001367250.1, NM_001367245.1 and 4 more transcripts); c.58+63dup (NM_001367248.1).
Identifiers: ClinVar variation 1274265 (VCV001274265.2), dbSNP rs1232638719, ClinGen allele CA640873789.